The following is an entry in ClinVar:

ClinVar aggregate classification (germline): Uncertain significance. Review status: criteria provided, multiple submitters, no conflicts (2 of 4 stars). 3 submissions from 3 submitters: Uncertain significance (3). Last evaluated 2025-05-21.

Conditions:
COL18A1-related disorder. Also called: COL18A1-related condition; COL18A1-related disorders.
Inborn genetic diseases. Identifiers: MedGen C0950123, MeSH D030342.

Allele frequency attached by ClinVar (database versions not stated): TOPMed 0.00005.
gnomAD v4.1: 62 of 1,611,516 alleles (0.0038%); highest among the groups gnomAD compares: Admixed American, 0.02%; no homozygotes.

Submissions (3):

PreventionGenetics, part of Exact Sciences
Classification: Uncertain significance for COL18A1-related condition. Last evaluated: 2025-05-21. Review status: criteria provided, single submitter. Criteria: ACMG Guidelines, 2015. Collection method: clinical testing. Allele origin: germline.
Comment: The COL18A1 c.2095G>A variant is predicted to result in the amino acid substitution p.Ala699Thr. To our knowledge, this variant has not been reported in the literature. This variant is reported in 0.020% of alleles in individuals of Latino descent in gnomAD. At this time, the clinical significance of this variant is uncertain due to the absence of conclusive functional and genetic evidence.

Ambry Genetics
Classification: Uncertain significance for Inborn genetic diseases. Last evaluated: 2025-05-16. Review status: criteria provided, single submitter. Criteria: Ambry Variant Classification Scheme 2023. Collection method: clinical testing. Allele origin: germline.

Labcorp Genetics (formerly Invitae), Labcorp
Classification: Uncertain significance. Last evaluated: 2023-12-11. Review status: criteria provided, single submitter. Criteria: Invitae Variant Classification Sherloc (09022015). Collection method: clinical testing. Allele origin: germline.
Comment: This sequence change replaces alanine, which is neutral and non-polar, with threonine, which is neutral and polar, at codon 519 of the COL18A1 protein (p.Ala519Thr). This variant is present in population databases (rs61737706, gnomAD 0.02%). This variant has not been reported in the literature in individuals affected with COL18A1-related conditions. ClinVar contains an entry for this variant (Variation ID: 1010283). Experimental studies and prediction algorithms are not available or were not evaluated, and the functional significance of this variant is currently unknown. In summary, the available evidence is currently insufficient to determine the role of this variant in disease. Therefore, it has been classified as a Variant of Uncertain Significance.

NM_001379500.1(COL18A1):c.1555G>A (p.Ala519Thr)

Gene: COL18A1 (collagen type XVIII alpha 1 chain; plus strand). Cytogenetic location: 21q22.3.
Variant type: single nucleotide variant.
Coding change: c.1555G>A on transcript NM_001379500.1 (MANE Select); coding-DNA position 1555, G replaced by A.
Protein change: p.Ala519Thr; replaces alanine 519 with threonine.
Molecular consequence: missense variant.
Genome position (GRCh38, 1-based): chr21:45,480,802, G>A. VCF-style: chr21-45480802-G-A. GRCh37 (hg19) VCF-style: chr21-46900716-G-A.
Other names: NM_130445.2:c.1555G>A; c.2095G>A (NM_030582.3); c.2095G>A, p.Ala699Thr (NM_030582.4); c.2800G>A, p.Ala934Thr (NM_130444.3); short protein forms A519T, A699T, A934T.
Identifiers: ClinVar variation 1010283 (VCV001010283.9), dbSNP rs61737706, ClinGen allele CA10066386.
Genomic context (GRCh38, chr21:45,480,802, plus strand): 5'-CCAGGCCTGCCCGGCGAGCCAGGCCGCTTTGGGGTGAACAGCTCCGACGTCCCAGGACCC[G>A]CCGGCCTTCCTGGTGTGCCTGGGCGCGAGGGTCCCCCCGGGTTTCCTGGCCTCCCGGTAA-3'
Protein context (NP_001366429.1, residues 509-529): GVNSSDVPGP[Ala519Thr]GLPGVPGREG